The following is an entry in ClinVar:

NM_000352.6(ABCC8):c.1849G>A (p.Ala617Thr)

Gene: ABCC8 (ATP binding cassette subfamily C member 8; minus strand). Cytogenetic location: 11p15.1.
Variant type: single nucleotide variant.
Coding change: c.1849G>A on transcript NM_000352.6 (MANE Select); coding-DNA position 1849, G replaced by A.
Protein change: p.Ala617Thr; replaces alanine 617 with threonine.
Molecular consequence: missense variant. On other transcripts: non-coding transcript variant (1).
Genome position (GRCh38, 1-based): chr11:17,428,639, C>T on the plus strand (G>A on the coding strand, the complement: ABCC8 is on the minus strand). VCF-style: chr11-17428639-C-T. GRCh37 (hg19) VCF-style: chr11-17450186-C-T.
Other names: c.1849G>A, p.Ala617Thr (NM_001287174.3, NM_001351295.2); c.1846G>A, p.Ala616Thr (NM_001351296.2, NM_001351297.2); short protein forms A616T, A617T.
Identifiers: ClinVar variation 991047 (VCV000991047.2), dbSNP rs1955706366, ClinGen allele CA379815965.

ClinVar aggregate classification (germline): Uncertain significance. Review status: criteria provided, single submitter (1 of 4 stars). 3 submissions from 2 submitters: Uncertain significance (2). 1 of the submissions does not count toward it.

Conditions:
Transitory neonatal diabetes mellitus. Also called: Transient neonatal diabetes mellitus. Identifiers: MedGen C0342273, MONDO:0020525, HP:0008255.
Maturity-onset diabetes of the young (MODY). Also called: Maturity onset diabetes mellitus in young. Identifiers: Orphanet 552, MedGen C0342276, MONDO:0018911, HP:0004904.
Hereditary hyperinsulinism.

Submissions (3):

Clinical Genomics, Uppaluri K&H Personalized Medicine Clinic
Classification: Uncertain significance for Maturity-onset diabetes of the young. Review status: criteria provided, single submitter. Criteria: K & H Uppaluri Personalized Medicine Clinic Variant Classification & Assertion Criteria_Updated V.1. Collection method: research. Allele origin: unknown. Inheritance: Somatic mutation.
Comment: Mutations in ABCC8 gene are associated with both neonatal diabetes mellitus as well as MODY. Patients with this mutation may have a better response to sulfonylureas. However, no sufficient evidence is found to ascertain the role of this particular variant (rs1955706366) in MODY yet.

Clinical Genomics, Uppaluri K&H Personalized Medicine Clinic
Classification: Uncertain significance for Transitory neonatal diabetes mellitus. Review status: criteria provided, single submitter. Criteria: K & H Uppaluri Personalized Medicine Clinic Variant Classification & Assertion Criteria_Updated V.1. Collection method: research. Allele origin: unknown. Inheritance: Somatic mutation.
Comment: Mutations in ABCC8 gene are associated with both neonatal diabetes mellitus as well as MODY. Patients with this mutation may have a better response to sulfonylureas. However, no sufficient evidence is found to ascertain the role of this particular variant ( rs1955706366) in neonatal diabetes yet.

Natera, Inc.
Classification: Uncertain significance for Hereditary hyperinsulinism. Last evaluated: 2020-08-28. Review status: no assertion criteria provided. Collection method: clinical testing. Allele origin: germline. Not counted in ClinVar's aggregate classification.

Literature cited by the submitters: PubMed 16885549 (cited by Clinical Genomics, Uppaluri K&H Personalized Medicine Clinic); PubMed 21989597 (cited by Clinical Genomics, Uppaluri K&H Personalized Medicine Clinic); PubMed 27538677 (cited by Clinical Genomics, Uppaluri K&H Personalized Medicine Clinic); PubMed 18981553 (cited by Clinical Genomics, Uppaluri K&H Personalized Medicine Clinic); PubMed 32027066 (cited by Clinical Genomics, Uppaluri K&H Personalized Medicine Clinic); PubMed 16613899 (cited by Clinical Genomics, Uppaluri K&H Personalized Medicine Clinic); PubMed 18025408 (cited by Clinical Genomics, Uppaluri K&H Personalized Medicine Clinic); PubMed 32792356 (cited by Clinical Genomics, Uppaluri K&H Personalized Medicine Clinic).